The following is an entry in ClinVar:

NM_080632.3(UPF3B):c.1383dup (p.Gly462fs)

Gene: UPF3B (UPF3B regulator of nonsense mediated mRNA decay; minus strand). Cytogenetic location: Xq24.
Variant type: Duplication.
Coding change: c.1383dup on transcript NM_080632.3 (MANE Select); coding-DNA position 1383, one base duplicated (T; older notation c.1383dupT).
Protein change: p.Gly462fs; shifts the reading frame from glycine 462.
Molecular consequence: frameshift variant.
Genome position (GRCh38, 1-based): chrX:119,834,947, A duplicated on the plus strand (T on the coding strand, the reverse complement: UPF3B is on the minus strand). VCF-style (leftmost placement, unchanged base first): chrX-119834946-C-CA. GRCh37 (hg19) VCF-style: chrX-118968909-C-CA.
Other names: c.1344dup, p.Gly449fs (NM_023010.4); short protein forms G462fs, G449fs.
Identifiers: ClinVar variation 3014425 (VCV003014425.3), dbSNP rs1251327168, ClinGen allele CA644068170.

ClinVar aggregate classification (germline): Uncertain significance (1 of 4 stars; one submission).

Conditions:
Intellectual developmental disorder, X-linked, syndromic 14. Also called: Syndromic X-linked intellectual disability 14. Identifiers: Orphanet 776, MedGen C1970822, MONDO:0010398, OMIM 300676.

Submission:

Labcorp Genetics (formerly Invitae), Labcorp
Classification: Uncertain significance for Intellectual developmental disorder, X-linked, syndromic 14. Last evaluated: 2025-09-24. Review status: criteria provided, single submitter. Criteria: Invitae Variant Classification Sherloc (09022015). Collection method: clinical testing. Allele origin: germline.
Comment: This sequence change creates a premature translational stop signal (p.Gly462Trpfs*14) in the UPF3B gene. While this is not anticipated to result in nonsense mediated decay, it is expected to disrupt the last 22 amino acid(s) of the UPF3B protein. This variant is present in population databases (no rsID available, gnomAD 0.001%), including at least one homozygous and/or hemizygous individual. This variant has not been reported in the literature in individuals affected with UPF3B-related conditions. ClinVar contains an entry for this variant (Variation ID: 3014425). Experimental studies and prediction algorithms are not available or were not evaluated, and the functional significance of this variant is currently unknown. In summary, the available evidence is currently insufficient to determine the role of this variant in disease. Therefore, it has been classified as a Variant of Uncertain Significance.